The following is an entry in ClinVar:

ClinVar aggregate classification (germline): Pathogenic. Review status: criteria provided, multiple submitters, no conflicts (2 of 4 stars). 2 submissions from 2 submitters: Pathogenic (2). Last evaluated 2024-01-17.

Conditions:
LAMA2-related muscular dystrophy (LAMA2-RD). Also called: Laminin alpha 2-related dystrophy. Identifiers: MedGen C5679788, MONDO:0100228.
Merosin deficient congenital muscular dystrophy (MDC1A). Also called: Congenital Muscular Dystrophy Type 1A (MDC1A); Congenital merosin-deficient muscular dystrophy 1A. Identifiers: Orphanet 258, MedGen C1263858, MONDO:0011925, OMIM 607855.

Allele frequency attached by ClinVar (database versions not stated): gnomAD exomes below 0.00001; ExAC 0.00001.
gnomAD v4.1: 1 of 1,601,460 alleles (0.000062%); highest among the groups gnomAD compares: South Asian, 0.0011%; no homozygotes.

Submissions (2):

Labcorp Genetics (formerly Invitae), Labcorp
Classification: Pathogenic for LAMA2-related muscular dystrophy. Last evaluated: 2024-01-17. Review status: criteria provided, single submitter. Criteria: Invitae Variant Classification Sherloc (09022015). Collection method: clinical testing. Allele origin: germline.
Comment: This sequence change affects a donor splice site in intron 35 of the LAMA2 gene. It is expected to disrupt RNA splicing. Variants that disrupt the donor or acceptor splice site typically lead to a loss of protein function (PMID: 16199547), and loss-of-function variants in LAMA2 are known to be pathogenic (PMID: 18700894, 32904964). This variant is present in population databases (rs757661749, gnomAD 0.003%). Disruption of this splice site has been observed in individual(s) with LAMA2-related muscular dystrophy (PMID: 24611677). It has also been observed to segregate with disease in related individuals. ClinVar contains an entry for this variant (Variation ID: 1458731). Algorithms developed to predict the effect of sequence changes on RNA splicing suggest that this variant may disrupt the consensus splice site. For these reasons, this variant has been classified as Pathogenic.

Kariminejad - Najmabadi Pathology & Genetics Center
Classification: Pathogenic for Merosin deficient congenital muscular dystrophy. Review status: criteria provided, single submitter. Criteria: ACMG Guidelines, 2015. Collection method: clinical testing. Allele origin: germline. Affected: no.

Literature cited by the submitters: PubMed 16199547 (cited by Labcorp Genetics (formerly Invitae), Labcorp); PubMed 18700894 (cited by Labcorp Genetics (formerly Invitae), Labcorp); PubMed 32904964 (cited by Labcorp Genetics (formerly Invitae), Labcorp); PubMed 24611677 (cited by Labcorp Genetics (formerly Invitae), Labcorp).

NM_000426.4(LAMA2):c.5071+1G>A

Gene: LAMA2 (laminin subunit alpha 2; plus strand). Cytogenetic location: 6q22.33.
Variant type: single nucleotide variant.
Coding change: c.5071+1G>A on transcript NM_000426.4 (MANE Select); the canonical splice donor site of the intron after coding-DNA position 5071, G replaced by A.
Molecular consequence: splice donor variant.
Genome position (GRCh38, 1-based): chr6:129,383,234, G>A. VCF-style: chr6-129383234-G-A. GRCh37 (hg19) VCF-style: chr6-129704379-G-A.
Other names: c.5071+1G>A (NM_001079823.2).
Identifiers: ClinVar variation 1458731 (VCV001458731.7), dbSNP rs757661749, ClinGen allele CA3993761.
Genomic context (GRCh38, chr6:129,383,234, plus strand): 5'-CCAACACAAGAGCAAAGTCCCTGGGAGAATTCATTAAGGAGCTTGCCCGGGATGCAGAAG[G>A]TATTAGAAAGAATCACATTTTAATCATCATTTCTCCCAACAGAAAAACACAGAAAGGGAT-3'